The following is an entry in ClinVar:

NM_000444.6(PHEX):c.1779T>A (p.Tyr593Ter)

Genes: PHEX (phosphate regulating endopeptidase X-linked; plus strand), PTCHD1-AS (PTCHD1 and PHEX antisense RNA; minus strand). Cytogenetic location: Xp22.11.
Variant type: single nucleotide variant.
Coding change: c.1779T>A on transcript NM_000444.6 (MANE Select); coding-DNA position 1779, T replaced by A.
Protein change: p.Tyr593Ter; replaces tyrosine 593 with a stop codon.
Molecular consequence: nonsense.
Genome position (GRCh38, 1-based): chrX:22,221,623, T>A. VCF-style: chrX-22221623-T-A. GRCh37 (hg19) VCF-style: chrX-22239740-T-A.
Other names: c.1779T>A, p.Tyr593Ter (NM_001282754.2); short protein forms Y593*.
Identifiers: ClinVar variation 1686049 (VCV001686049.6), dbSNP rs1935269189, ClinGen allele CA412573461.
Genomic context (GRCh38, chrX:22,221,623, plus strand): 5'-TTTAGTTTCCATAAATAACACAAATGTCTTCGAACTTTTCCTTTTGCTAGGTAGAAAATA[T>A]GATAAAAATGGAAACCTGGATCCTTGGTGGTCTACTGAATCAGAAGAAAAGTTTAAGGAA-3'

ClinVar aggregate classification (germline): Pathogenic. Review status: criteria provided, multiple submitters, no conflicts (2 of 4 stars). 2 submissions from 2 submitters: Pathogenic (2). Last evaluated 2022-08-30.

Conditions:
Familial X-linked hypophosphatemic vitamin D refractory rickets (XLHRD). Also called: Hypophosphatemic Rickets, X-Linked Dominant; X-Linked Hypophosphatemia; HYPOPHOSPHATEMIC VITAMIN D-RESISTANT RICKETS; Hypophosphatemia, vitamin D-resistant rickets; Vitamin D-resistant rickets, X-linked. Identifiers: Orphanet 89936, MedGen C0733682, MONDO:0010619, OMIM 307800.

Submissions (2):

Labcorp Genetics (formerly Invitae), Labcorp
Classification: Pathogenic. Last evaluated: 2022-08-30. Review status: criteria provided, single submitter. Criteria: Invitae Variant Classification Sherloc (09022015). Collection method: clinical testing. Allele origin: germline.
Comment: This sequence change creates a premature translational stop signal (p.Tyr593*) in the PHEX gene. It is expected to result in an absent or disrupted protein product. Loss-of-function variants in PHEX are known to be pathogenic (PMID: 9097956, 9106524, 19219621). This variant is not present in population databases (gnomAD no frequency). This premature translational stop signal has been observed in individual(s) with hypophosphatemia (PMID: 19219621). ClinVar contains an entry for this variant (Variation ID: 1686049). For these reasons, this variant has been classified as Pathogenic.

Mendelics
Classification: Pathogenic for Familial X-linked hypophosphatemic vitamin D refractory rickets. Last evaluated: 2022-05-04. Review status: criteria provided, single submitter. Criteria: Mendelics Assertion Criteria 2019. Collection method: clinical testing. Allele origin: germline.

Literature cited by the submitters: PubMed 9097956 (cited by Labcorp Genetics (formerly Invitae), Labcorp); PubMed 9106524 (cited by Labcorp Genetics (formerly Invitae), Labcorp); PubMed 19219621 (cited by Labcorp Genetics (formerly Invitae), Labcorp).